The following is an entry in ClinVar:

NM_015102.5(NPHP4):c.2906G>A (p.Ser969Asn)

Gene: NPHP4 (nephrocystin 4; minus strand). Cytogenetic location: 1p36.31.
Variant type: single nucleotide variant.
Coding change: c.2906G>A on transcript NM_015102.5 (MANE Select); coding-DNA position 2906, G replaced by A.
Protein change: p.Ser969Asn; replaces serine 969 with asparagine.
Molecular consequence: missense variant. On other transcripts: non-coding transcript variant (1).
Genome position (GRCh38, 1-based): chr1:5,875,012, C>T on the plus strand (G>A on the coding strand, the complement: NPHP4 is on the minus strand). VCF-style: chr1-5875012-C-T. GRCh37 (hg19) VCF-style: chr1-5935072-C-T.
Other names: c.1367G>A, p.Ser456Asn (NM_001291593.2); c.1370G>A, p.Ser457Asn (NM_001291594.2); short protein forms S969N, S456N, S457N.
Identifiers: ClinVar variation 969165 (VCV000969165.7), dbSNP rs770493717, ClinGen allele CA553881.

ClinVar aggregate classification (germline): Uncertain significance (1 of 4 stars; one submission).

Conditions:
Nephronophthisis. Also called: Juvenile Nephronophthisis. Identifiers: Orphanet 655, MedGen C0687120, MONDO:0019005, HP:0000090.

Allele frequency attached by ClinVar (database versions not stated): gnomAD 0.00001; ExAC 0.00001.
gnomAD v4.1: 9 of 1,611,496 alleles (0.00056%); highest among the groups gnomAD compares: Non-Finnish European, 0.00076%; no homozygotes.

Submission:

Labcorp Genetics (formerly Invitae), Labcorp
Classification: Uncertain significance for Nephronophthisis. Last evaluated: 2019-10-14. Review status: criteria provided, single submitter. Criteria: Invitae Variant Classification Sherloc (09022015). Collection method: clinical testing. Allele origin: germline.
Comment: Algorithms developed to predict the effect of missense changes on protein structure and function output the following: SIFT: "Tolerated"; PolyPhen-2: "Benign"; Align-GVGD: "Class C0". The asparagine amino acid residue is found in multiple mammalian species, suggesting that this missense change does not adversely affect protein function. These predictions have not been confirmed by published functional studies and their clinical significance is uncertain. In summary, the available evidence is currently insufficient to determine the role of this variant in disease. Therefore, it has been classified as a Variant of Uncertain Significance. This variant has not been reported in the literature in individuals with NPHP4-related conditions. This variant is present in population databases (rs770493717, ExAC 0.002%). This sequence change replaces serine with asparagine at codon 969 of the NPHP4 protein (p.Ser969Asn). The serine residue is weakly conserved and there is a small physicochemical difference between serine and asparagine.